The following is an entry in ClinVar:

ClinVar aggregate classification (germline): Pathogenic (1 of 4 stars; one submission).

Conditions:
Neurofibromatosis, type 2 (SWNV). Also called: BILATERAL ACOUSTIC NEUROFIBROMATOSIS; SCHWANNOMATOSIS, VESTIBULAR; NF2-Related Schwannomatosis. Identifiers: Orphanet 637, MedGen C0027832, MONDO:0007039, OMIM 101000. Disease mechanism: loss of function.

Submission:

Labcorp Genetics (formerly Invitae), Labcorp
Classification: Pathogenic for Neurofibromatosis, type 2. Last evaluated: 2024-06-21. Review status: criteria provided, single submitter. Criteria: Invitae Variant Classification Sherloc (09022015). Collection method: clinical testing. Allele origin: germline.
Comment: This sequence change creates a premature translational stop signal (p.Lys413Alafs*15) in the NF2 gene. It is expected to result in an absent or disrupted protein product. Loss-of-function variants in NF2 are known to be pathogenic (PMID: 9643284, 16983642). This variant is not present in population databases (gnomAD no frequency). This variant has not been reported in the literature in individuals affected with NF2-related conditions. For these reasons, this variant has been classified as Pathogenic.

Literature cited by the submitters: PubMed 9643284; PubMed 16983642.

NM_000268.4(NF2):c.1232_1236dup (p.Lys413fs)

Gene: NF2 (NF2, moesin-ezrin-radixin like (MERLIN) tumor suppressor; plus strand). Cytogenetic location: 22q12.2.
Variant type: Duplication.
Coding change: c.1232_1236dup on transcript NM_000268.4 (MANE Select); coding-DNA positions 1232 to 1236, 5 bases duplicated (GCATC; older notation c.1232_1236dupGCATC).
Protein change: p.Lys413fs; shifts the reading frame from lysine 413.
Molecular consequence: frameshift variant. On other transcripts: intron variant (1).
Genome position (GRCh38, 1-based): chr22:29,673,378-29,673,382, GCATC duplicated; duplicating any 5 consecutive bases within chr22:29,673,377-29,673,382 gives the same sequence; the c. name uses the placement nearest the transcript's 3' end. VCF-style (leftmost placement, unchanged base first): chr22-29673376-G-GCGCAT. GRCh37 (hg19) VCF-style: chr22-30069365-G-GCGCAT.
Other names: c.1118_1122dup, p.Lys375fs (NM_001407053.1, NM_001407056.1); c.1109_1113dup, p.Lys372fs (NM_001407054.1, NM_001407058.1, NM_181829.3); c.1106_1110dup, p.Lys371fs (NM_001407055.1, NM_181828.3); c.1097_1101dup, p.Lys368fs (NM_001407057.1, NM_001407059.1); c.1232_1236dup, p.Lys413fs (NM_001407060.1, NM_001407066.1, NM_016418.5 and 2 more transcripts); c.974_978dup, p.Lys327fs (NM_001407062.1); c.983_987dup, p.Lys330fs (NM_001407063.1, NM_001407064.1, NM_181830.3 and 1 more transcripts); c.698_702dup, p.Lys235fs (NM_001407065.1); and 2 more; short protein forms K327fs, K368fs, K413fs, K372fs, K235fs, K330fs, K375fs, K336fs.
Identifiers: ClinVar variation 3657263 (VCV003657263.2).
Genomic context (GRCh38, chr22:29,673,376, plus strand): 5'-CACCGAGGAGGAGGCAAAACTTCTGGCCCAGAAGGCCGCAGAGGCTGAGCAGGAAATGCA[G>GCGCAT]CGCATCAAGGCCACAGCGATTCGCACGGAGGAGGAGAAGCGCCTGATGGAGCAGAAGGTG-3'